The following is an entry in ClinVar:

ClinVar aggregate classification (germline): Uncertain significance (1 of 4 stars; one submission).

Conditions:
Cardiovascular phenotype. Identifiers: MedGen CN230736.

Submission:

Ambry Genetics
Classification: Uncertain significance for Cardiovascular phenotype. Last evaluated: 2020-02-21. Review status: criteria provided, single submitter. Criteria: Ambry Variant Classification Scheme 2023. Collection method: clinical testing. Allele origin: germline.
Comment: The p.S289P variant (also known as c.865T>C), located in coding exon 3 of the ALPK3 gene, results from a T to C substitution at nucleotide position 865. The serine at codon 289 is replaced by proline, an amino acid with similar properties. This amino acid position is well conserved in available vertebrate species. In addition, this alteration is predicted to be tolerated by in silico analysis. Since supporting evidence is limited at this time, the clinical significance of this alteration remains unclear.

NM_020778.5(ALPK3):c.259T>C (p.Ser87Pro)

Gene: ALPK3 (alpha kinase 3; plus strand). Cytogenetic location: 15q25.3.
Variant type: single nucleotide variant.
Coding change: c.259T>C on transcript NM_020778.5 (MANE Select); coding-DNA position 259, T replaced by C.
Protein change: p.Ser87Pro; replaces serine 87 with proline.
Molecular consequence: missense variant.
Genome position (GRCh38, 1-based): chr15:84,827,560, T>C. VCF-style: chr15-84827560-T-C. GRCh37 (hg19) VCF-style: chr15-85370791-T-C.
Other names: short protein forms S87P.
Identifiers: ClinVar variation 1764221 (VCV001764221.2), dbSNP rs2505697257, ClinGen allele CA393370963.